The following is an entry in ClinVar:

ClinVar aggregate classification (germline): Uncertain significance (1 of 4 stars; one submission).

Submission:

GeneDx
Classification: Uncertain significance. Last evaluated: 2023-05-18. Review status: criteria provided, single submitter. Criteria: GeneDx Variant Classification Process June 2021. Collection method: clinical testing. Allele origin: germline. Affected: yes.
Comment: Not observed at significant frequency in large population cohorts (gnomAD); In silico analysis supports that this missense variant has a deleterious effect on protein structure/function; In silico analysis suggests this variant may impact gene splicing. In the absence of RNA/functional studies, the actual effect of this sequence change is unknown.; Has not been previously published as pathogenic or benign to our knowledge

NM_001005273.3(CHD3):c.1501A>G (p.Thr501Ala)

Gene: CHD3 (chromodomain helicase DNA binding protein 3; plus strand). Cytogenetic location: 17p13.1.
Variant type: single nucleotide variant.
Coding change: c.1501A>G on transcript NM_001005273.3 (MANE Select); coding-DNA position 1501, A replaced by G.
Protein change: p.Thr501Ala; replaces threonine 501 with alanine.
Molecular consequence: missense variant.
Genome position (GRCh38, 1-based): chr17:7,895,148, A>G. VCF-style: chr17-7895148-A-G. GRCh37 (hg19) VCF-style: chr17-7798466-A-G.
Other names: c.1678A>G, p.Thr560Ala (NM_001005271.3); c.1501A>G, p.Thr501Ala (NM_005852.4); short protein forms T501A, T560A.
Identifiers: ClinVar variation 3343494 (VCV003343494.1).